The following is an entry in ClinVar:

NM_173491.4(LSM11):c.973C>T (p.Arg325Cys)

Gene: LSM11 (LSM11, U7 small nuclear RNA associated; plus strand). Cytogenetic location: 5q33.3.
Variant type: single nucleotide variant.
Coding change: c.973C>T on transcript NM_173491.4 (MANE Select); coding-DNA position 973, C replaced by T.
Protein change: p.Arg325Cys; replaces arginine 325 with cysteine.
Molecular consequence: missense variant.
Genome position (GRCh38, 1-based): chr5:157,755,154, C>T. VCF-style: chr5-157755154-C-T. GRCh37 (hg19) VCF-style: chr5-157182162-C-T.
Other names: p.Arg325Cys; short protein forms R325C.
Identifiers: ClinVar variation 4541084 (VCV004541084.1).

ClinVar aggregate classification (germline): Uncertain significance (1 of 4 stars; one submission).

gnomAD v4.1: 60 of 1,614,034 alleles (0.0037%); highest among the groups gnomAD compares: Non-Finnish European, 0.0048%; no homozygotes.

Submission:

Mayo Clinic Laboratories, Mayo Clinic
Classification: Uncertain significance. Last evaluated: 2025-09-26. Review status: criteria provided, single submitter. Criteria: ACMG Guidelines, 2015. Collection method: clinical testing. Allele origin: germline. Observed: 3 variant alleles.
Comment: BP4